The following is an entry in ClinVar:

NM_002485.5(NBN):c.11T>C (p.Leu4Pro)

Gene: NBN (nibrin; minus strand). Cytogenetic location: 8q21.3.
Variant type: single nucleotide variant.
Coding change: c.11T>C on transcript NM_002485.5 (MANE Select); coding-DNA position 11, T replaced by C.
Protein change: p.Leu4Pro; replaces leucine 4 with proline.
Molecular consequence: missense variant. On other transcripts: 5 prime UTR variant (1).
Genome position (GRCh38, 1-based): chr8:89,984,551, A>G on the plus strand (T>C on the coding strand, the complement: NBN is on the minus strand). VCF-style: chr8-89984551-A-G. GRCh37 (hg19) VCF-style: chr8-90996779-A-G.
Other names: c.-286T>C (NM_001024688.3); short protein forms L4P.
Identifiers: ClinVar variation 411766 (VCV000411766.28), dbSNP rs748090667, ClinGen allele CA16612508.

ClinVar aggregate classification (germline): Uncertain significance. Review status: criteria provided, multiple submitters, no conflicts (2 of 4 stars). 7 submissions from 7 submitters: Uncertain significance (6). 1 of the submissions does not count toward it. Last evaluated 2025-10-20.

Conditions:
Aplastic anemia. Identifiers: Orphanet 182040, Orphanet 88, MedGen C0002874, MONDO:0015909, OMIM 609135, HP:0001915.
Hereditary cancer-predisposing syndrome. Also called: Hereditary neoplastic syndrome; Neoplastic Syndromes, Hereditary; Tumor predisposition; Hereditary Cancer Syndrome. Identifiers: Orphanet 140162, MedGen C0027672, MeSH D009386, MONDO:0015356.
Microcephaly, normal intelligence and immunodeficiency (NBS). Also called: IMMUNODEFICIENCY, MICROCEPHALY, AND CHROMOSOMAL INSTABILITY; SEEMANOVA SYNDROME II; Immunodeficiency, microcephaly with normal intelligence; Ataxia telangiectasia variant V1; Nijmegen breakage syndrome; Microcephaly with normal intelligence immunodeficiency and lymphoreticular malignancies. Identifiers: Orphanet 647, MedGen C0398791, MONDO:0009623, OMIM 251260.

Submissions (7):

Quest Diagnostics Nichols Institute San Juan Capistrano
Classification: Uncertain significance. Last evaluated: 2025-10-20. Review status: criteria provided, single submitter. Criteria: Quest Diagnostics criteria. Collection method: clinical testing. Allele origin: unknown.
Comment: The NBN c.11T>C (p.Leu4Pro) variant has been reported in the published literature in children affected with B-cell acute lymphoblastic leukemia (B-ALL) (PMID: 38446568 (2024)). This variant has not been reported in large, multi-ethnic general populations (Genome Aggregation Database). Analysis of this variant using bioinformatics tools for the prediction of the effect of amino acid changes on protein structure and function yielded conflicting predictions that this variant is benign or damaging. Based on the available information, we are unable to determine the clinical significance of this variant.

GeneDx
Classification: Uncertain significance. Last evaluated: 2025-05-08. Review status: criteria provided, single submitter. Criteria: GeneDx Variant Classification Process June 2021. Collection method: clinical testing. Allele origin: germline. Affected: yes.
Comment: Not observed at significant frequency in large population cohorts (gnomAD); In silico analysis supports that this missense variant has a deleterious effect on protein structure/function; This variant is associated with the following publications: (PMID: 24894818, 37503171, 36243179, 30287823, 38446568)

Labcorp Genetics (formerly Invitae), Labcorp
Classification: Uncertain significance for Microcephaly, normal intelligence and immunodeficiency. Last evaluated: 2024-07-08. Review status: criteria provided, single submitter. Criteria: Invitae Variant Classification Sherloc (09022015). Collection method: clinical testing. Allele origin: germline.
Comment: This sequence change replaces leucine, which is neutral and non-polar, with proline, which is neutral and non-polar, at codon 4 of the NBN protein (p.Leu4Pro). This variant is not present in population databases (gnomAD no frequency). This variant has not been reported in the literature in individuals affected with NBN-related conditions. ClinVar contains an entry for this variant (Variation ID: 411766). An algorithm developed to predict the effect of missense changes on protein structure and function (PolyPhen-2) suggests that this variant is likely to be disruptive. In summary, the available evidence is currently insufficient to determine the role of this variant in disease. Therefore, it has been classified as a Variant of Uncertain Significance.

Baylor Genetics
Classification: Uncertain significance for Aplastic anemia. Last evaluated: 2023-09-06. Review status: criteria provided, single submitter. Criteria: ACMG Guidelines, 2015. Collection method: clinical testing. Allele origin: unknown.

Genome-Nilou Lab
Classification: Uncertain significance for Microcephaly, normal intelligence and immunodeficiency. Last evaluated: 2021-11-07. Review status: criteria provided, single submitter. Criteria: ACMG Guidelines, 2015. Collection method: clinical testing. Allele origin: germline. Affected: no.

Ambry Genetics
Classification: Uncertain significance for Hereditary cancer-predisposing syndrome. Last evaluated: 2019-07-29. Review status: criteria provided, single submitter. Criteria: Ambry Variant Classification Scheme 2023. Collection method: clinical testing. Allele origin: germline.
Comment: The p.L4P variant (also known as c.11T>C), located in coding exon 1 of the NBN gene, results from a T to C substitution at nucleotide position 11. The leucine at codon 4 is replaced by proline, an amino acid with similar properties. This alteration was not identified in 53 cases of male breast cancer, but was identified in 1/12490 matched controls in a Japanese cohort (Momozowa Y et al. Nat Commun 2018 10;9(1):4083). This amino acid position is highly conserved in available vertebrate species. In addition, this alteration is predicted to be deleterious by in silico analysis. Since supporting evidence is limited at this time, the clinical significance of this alteration remains unclear.

Natera, Inc.
Classification: Uncertain significance for Nijmegen breakage syndrome. Last evaluated: 2021-08-09. Review status: no assertion criteria provided. Collection method: clinical testing. Allele origin: germline. Not counted in ClinVar's aggregate classification.

Literature cited by the submitters: PubMed 38446568 (cited by Quest Diagnostics Nichols Institute San Juan Capistrano); PubMed 36243179 (cited by Quest Diagnostics Nichols Institute San Juan Capistrano); PubMed 30287823 (cited by Quest Diagnostics Nichols Institute San Juan Capistrano); PubMed 31214711 (cited by Quest Diagnostics Nichols Institute San Juan Capistrano).